The following is an entry in ClinVar:

ClinVar aggregate classification (germline): Likely benign (1 of 4 stars; one submission).

Conditions:
BBS9-related disorder. Also called: BBS9-related condition.

gnomAD v4.1: 1 of 1,578,390 alleles (0.000063%); highest among the groups gnomAD compares: Non-Finnish European, 0.000086%; no homozygotes.

Submission:

PreventionGenetics, part of Exact Sciences
Classification: Likely benign for BBS9-related condition. Last evaluated: 2025-05-22. Review status: criteria provided, single submitter. Criteria: ACMG Guidelines, 2015. Collection method: clinical testing. Allele origin: germline.
Comment: This variant is classified as likely benign based on ACMG/AMP sequence variant interpretation guidelines (Richards et al. 2015 PMID: 25741868, with internal and published modifications).

NM_198428.3(BBS9):c.696A>G (p.Arg232=)

Gene: BBS9 (Bardet-Biedl syndrome 9; plus strand). Cytogenetic location: 7p14.3.
Variant type: single nucleotide variant.
Coding change: c.696A>G on transcript NM_198428.3 (MANE Select); coding-DNA position 696, A replaced by G.
Protein change: p.Arg232=; no amino-acid change (arginine 232 retained).
Molecular consequence: synonymous variant. On other transcripts: non-coding transcript variant (3).
Genome position (GRCh38, 1-based): chr7:33,264,368, A>G. VCF-style: chr7-33264368-A-G. GRCh37 (hg19) VCF-style: chr7-33303980-A-G.
Other names: c.696A>G, p.Arg232= (NM_001033604.2, NM_001033605.2, NM_001348036.1 and 5 more transcripts); c.330A>G, p.Arg110= (NM_001348037.3, NM_001348044.3, NM_001348045.3 and 1 more transcripts); c.423A>G, p.Arg141= (NM_001348038.3, NM_001348039.3); c.561A>G, p.Arg187= (NM_001348042.3).
Identifiers: ClinVar variation 4989334 (VCV004989334.1).